The following is an entry in ClinVar:

ClinVar aggregate classification (germline): Uncertain significance (1 of 4 stars; one submission).

Conditions:
Cohen syndrome (COH1). Also called: PEPPER SYNDROME; Cutis verticis gyrata, retinitis pigmentosa, and sensorineural deafness. Identifiers: Orphanet 193, MedGen C0265223, MONDO:0008999, OMIM 216550.

Submission:

Labcorp Genetics (formerly Invitae), Labcorp
Classification: Uncertain significance for Cohen syndrome. Last evaluated: 2020-07-20. Review status: criteria provided, single submitter. Criteria: Invitae Variant Classification Sherloc (09022015). Collection method: clinical testing. Allele origin: germline.
Comment: In summary, the available evidence is currently insufficient to determine the role of this variant in disease. Therefore, it has been classified as a Variant of Uncertain Significance. Nucleotide substitutions within the consensus splice site are a relatively common cause of aberrant splicing (PMID: 17576681, 9536098). Algorithms developed to predict the effect of sequence changes on RNA splicing suggest that this variant is not likely to affect RNA splicing, but this prediction has not been confirmed by published transcriptional studies. This variant has not been reported in the literature in individuals with VPS13B-related conditions. This variant is not present in population databases (ExAC no frequency). This sequence change falls in intron 32 of the VPS13B gene. It does not directly change the encoded amino acid sequence of the VPS13B protein, but it affects a nucleotide within the consensus splice site of the intron.

Literature cited by the submitters: PubMed 17576681; PubMed 9536098.

NM_152564.5(VPS13B):c.5076+3T>C

Gene: VPS13B (vacuolar protein sorting 13 homolog B; plus strand). Cytogenetic location: 8q22.2.
Variant type: single nucleotide variant.
Coding change: c.5076+3T>C on transcript NM_152564.5 (MANE Select); 3 bases into the intron after coding-DNA position 5076, T replaced by C.
Molecular consequence: intron variant.
Genome position (GRCh38, 1-based): chr8:99,575,787, T>C. VCF-style: chr8-99575787-T-C. GRCh37 (hg19) VCF-style: chr8-100588015-T-C.
Other names: c.5151+3T>C (NM_017890.5).
Identifiers: ClinVar variation 1055210 (VCV001055210.9), dbSNP rs2133808668, ClinGen allele CA2499219480.